The following is an entry in ClinVar:

ClinVar aggregate classification (germline): Uncertain significance (1 of 4 stars; one submission).

Conditions:
Joubert syndrome. Also called: CEREBELLOPARENCHYMAL DISORDER IV; JOUBERT-BOLTSHAUSER SYNDROME; Familial aplasia of the vermis. Identifiers: Orphanet 475, MedGen C5979921, MONDO:0018772.
Nephronophthisis. Also called: Juvenile Nephronophthisis. Identifiers: Orphanet 655, MedGen C0687120, MONDO:0019005, HP:0000090.
Meckel-Gruber syndrome. Also called: DYSENCEPHALIA SPLANCHNOCYSTICA; GRUBER SYNDROME; Dysencephalia splachnocystica. Identifiers: Orphanet 564, MedGen C0265215, MONDO:0018921.

Submission:

Labcorp Genetics (formerly Invitae), Labcorp
Classification: Uncertain significance for Joubert syndrome; Meckel-Gruber syndrome; Nephronophthisis. Last evaluated: 2024-10-08. Review status: criteria provided, single submitter. Criteria: Invitae Variant Classification Sherloc (09022015). Collection method: clinical testing. Allele origin: germline.
Comment: This sequence change replaces glutamine, which is neutral and polar, with histidine, which is basic and polar, at codon 284 of the CEP290 protein (p.Gln284His). This variant is not present in population databases (gnomAD no frequency). This variant has not been reported in the literature in individuals affected with CEP290-related conditions. ClinVar contains an entry for this variant (Variation ID: 1414769). An algorithm developed to predict the effect of missense changes on protein structure and function (PolyPhen-2) suggests that this variant is likely to be disruptive. In summary, the available evidence is currently insufficient to determine the role of this variant in disease. Therefore, it has been classified as a Variant of Uncertain Significance.

NM_025114.4(CEP290):c.852A>T (p.Gln284His)

Gene: CEP290 (centrosomal protein 290; minus strand). Cytogenetic location: 12q21.32.
Variant type: single nucleotide variant.
Coding change: c.852A>T on transcript NM_025114.4 (MANE Select); coding-DNA position 852, A replaced by T.
Protein change: p.Gln284His; replaces glutamine 284 with histidine.
Molecular consequence: missense variant.
Genome position (GRCh38, 1-based): chr12:88,129,694, T>A on the plus strand (A>T on the coding strand, the complement: CEP290 is on the minus strand). VCF-style: chr12-88129694-T-A. GRCh37 (hg19) VCF-style: chr12-88523471-T-A.
Other names: short protein forms Q284H.
Identifiers: ClinVar variation 1414769 (VCV001414769.6), dbSNP rs1592671091, ClinGen allele CA385984167.